The following is an entry in ClinVar:

ClinVar aggregate classification (germline): Uncertain significance. Review status: criteria provided, multiple submitters, no conflicts (2 of 4 stars). 7 submissions from 3 submitters: Uncertain significance (7). Last evaluated 2025-01-07.

Conditions:
Achondrogenesis, type IB (ACG1B). Also called: Achondrogenesis Type 1B. Identifiers: Orphanet 932, Orphanet 93298, MedGen C0265274, MONDO:0010966, OMIM 600972.
Diastrophic dysplasia (DTD). Also called: Diastrophic dwarfism. Identifiers: Orphanet 628, MedGen C0220726, MONDO:0009107, OMIM 222600.
Atelosteogenesis type II (AO2). Also called: Neonatal osseous dysplasia 1; NEONATAL OSSEOUS DYSPLASIA I; SLC26A2-Related Atelosteogenesis. Identifiers: Orphanet 56304, MedGen C1850554, MONDO:0009727, OMIM 256050.
Multiple epiphyseal dysplasia type 4 (EDM4). Also called: SLC26A2-Related Multiple Epiphyseal Dysplasia; MULTIPLE EPIPHYSEAL DYSPLASIA WITH BILAYERED PATELLAE; MULTIPLE EPIPHYSEAL DYSPLASIA WITH CLUBFOOT; MULTIPLE EPIPHYSEAL DYSPLASIA, AUTOSOMAL RECESSIVE; Multiple Epiphyseal Dysplasia, Recessive. Identifiers: Orphanet 93307, MedGen C1847593, MONDO:0009189, OMIM 226900.
Sulfate transporter-related osteochondrodysplasia. Also called: DTDST-related dysplasias. Identifiers: MedGen CN120497. Disease mechanism: loss of function.

Allele frequency attached by ClinVar (database versions not stated): gnomAD 0.00002; TOPMed 0.00006; ExAC 0.00009; gnomAD exomes 0.00009; 1000 Genomes Project 30x 0.00016; 1000 Genomes Project 0.00020.
gnomAD v4.1: 65 of 1,614,078 alleles (0.004%); highest among the groups gnomAD compares: East Asian, 0.018%; no homozygotes.

Submissions (7):

Labcorp Genetics (formerly Invitae), Labcorp
Classification: Uncertain significance for Atelosteogenesis type II; Multiple epiphyseal dysplasia type 4; Achondrogenesis, type IB; Diastrophic dysplasia. Last evaluated: 2025-01-07. Review status: criteria provided, single submitter. Criteria: Invitae Variant Classification Sherloc (09022015). Collection method: clinical testing. Allele origin: germline.
Comment: This sequence change replaces arginine, which is basic and polar, with cysteine, which is neutral and slightly polar, at codon 545 of the SLC26A2 protein (p.Arg545Cys). This variant is present in population databases (rs200897133, gnomAD 0.03%). This variant has not been reported in the literature in individuals affected with SLC26A2-related conditions. ClinVar contains an entry for this variant (Variation ID: 903908). Invitae Evidence Modeling of protein sequence and biophysical properties (such as structural, functional, and spatial information, amino acid conservation, physicochemical variation, residue mobility, and thermodynamic stability) indicates that this missense variant is expected to disrupt SLC26A2 protein function with a positive predictive value of 80%. In summary, the available evidence is currently insufficient to determine the role of this variant in disease. Therefore, it has been classified as a Variant of Uncertain Significance.

Illumina Laboratory Services, Illumina
Classification: Uncertain significance for Diastrophic dysplasia. Last evaluated: 2018-01-12. Review status: criteria provided, single submitter. Criteria: ICSL Variant Classification Criteria 13 December 2019. Collection method: clinical testing. Allele origin: germline.

Illumina Laboratory Services, Illumina
Classification: Uncertain significance for Osteochondrodysplasia. Last evaluated: 2018-01-12. Review status: criteria provided, single submitter. Criteria: ICSL Variant Classification Criteria 13 December 2019. Collection method: clinical testing. Allele origin: germline.

Illumina Laboratory Services, Illumina
Classification: Uncertain significance for Atelosteogenesis type II. Last evaluated: 2018-01-12. Review status: criteria provided, single submitter. Criteria: ICSL Variant Classification Criteria 13 December 2019. Collection method: clinical testing. Allele origin: germline.

Illumina Laboratory Services, Illumina
Classification: Uncertain significance for Achondrogenesis, type IB. Last evaluated: 2018-01-12. Review status: criteria provided, single submitter. Criteria: ICSL Variant Classification Criteria 13 December 2019. Collection method: clinical testing. Allele origin: germline.

Illumina Laboratory Services, Illumina
Classification: Uncertain significance for Multiple epiphyseal dysplasia type 4. Last evaluated: 2018-01-12. Review status: criteria provided, single submitter. Criteria: ICSL Variant Classification Criteria 13 December 2019. Collection method: clinical testing. Allele origin: germline.

Breakthrough Genomics
Classification: Uncertain significance. Review status: criteria provided, single submitter. Criteria: ACMG Guidelines, 2015. Collection method: not provided. Allele origin: germline. Inheritance: Autosomal recessive inheritance. Affected: yes.

NM_000112.4(SLC26A2):c.1633C>T (p.Arg545Cys)

Gene: SLC26A2 (solute carrier family 26 member 2; plus strand). Cytogenetic location: 5q32.
Variant type: single nucleotide variant.
Coding change: c.1633C>T on transcript NM_000112.4 (MANE Select); coding-DNA position 1633, C replaced by T.
Protein change: p.Arg545Cys; replaces arginine 545 with cysteine.
Molecular consequence: missense variant.
Genome position (GRCh38, 1-based): chr5:149,981,226, C>T. VCF-style: chr5-149981226-C-T. GRCh37 (hg19) VCF-style: chr5-149360789-C-T.
Other names: short protein forms R545C.
Identifiers: ClinVar variation 903908 (VCV000903908.7), dbSNP rs200897133, ClinGen allele CA3505468.